The following is an entry in ClinVar:

NM_000551.4(VHL):c.319C>T (p.Arg107Cys)

Gene: VHL (von Hippel-Lindau tumor suppressor; plus strand). Cytogenetic location: 3p25.3.
Variant type: single nucleotide variant.
Coding change: c.319C>T on transcript NM_000551.4 (MANE Select); coding-DNA position 319, C replaced by T.
Protein change: p.Arg107Cys; replaces arginine 107 with cysteine.
Molecular consequence: missense variant. On other transcripts: non-coding transcript variant (1).
Genome position (GRCh38, 1-based): chr3:10,142,166, C>T. VCF-style: chr3-10142166-C-T. GRCh37 (hg19) VCF-style: chr3-10183850-C-T.
Other names: c.319C>T, p.Arg107Cys (NM_001354723.2, NM_198156.3); short protein forms R107C.
Identifiers: ClinVar variation 3765365 (VCV003765365.2).
Genomic context (GRCh38, chr3:10,142,166, plus strand): 5'-GTATGGCTCAACTTCGACGGCGAGCCGCAGCCCTACCCAACGCTGCCGCCTGGCACGGGC[C>T]GCCGCATCCACAGCTACCGAGGTACGGGCCCGGCGCTTAGGCCCGACCCAGCAGGGACGA-3'
Protein context (NP_000542.1, residues 97-117): PYPTLPPGTG[Arg107Cys]RIHSYRGHLW

ClinVar aggregate classification (germline): Uncertain significance. Review status: criteria provided, multiple submitters, no conflicts (2 of 4 stars). 2 submissions from 2 submitters: Uncertain significance (2). Last evaluated 2026-07-30.

Conditions:
Hereditary cancer-predisposing syndrome. Also called: Tumor predisposition; Hereditary neoplastic syndrome; Hereditary Cancer Syndrome; Neoplastic Syndromes, Hereditary. Identifiers: Orphanet 140162, MedGen C0027672, MeSH D009386, MONDO:0015356.

gnomAD v4.1: 3 of 1,598,694 alleles (0.00019%); highest among the groups gnomAD compares: South Asian, 0.0022%; no homozygotes.

Submissions (2):

Ambry Genetics
Classification: Uncertain significance for Hereditary cancer-predisposing syndrome. Last evaluated: 2026-07-30. Review status: criteria provided, single submitter. Criteria: Ambry Variant Classification Scheme 2023. Collection method: clinical testing. Allele origin: germline.
Comment: The p.R107C variant (also known as c.319C>T), located in coding exon 1 of the VHL gene, results from a C to T substitution at nucleotide position 319. The arginine at codon 107 is replaced by cysteine, an amino acid with highly dissimilar properties. This variant was reported in individual(s) with features consistent with von Hippel-Lindau syndrome; however, it was identified in conjunction with another VHL variant (Dandanell M et al. BMC Med Genet, 2012 Jul;13:54). This amino acid position is highly conserved in available vertebrate species. In addition, this alteration is predicted to be deleterious by in silico analysis. This variant was determined to be functionally neutral in one saturation genome editing assay (Buckley M et al. Nat Genet, 2024 Jul;56:1446-1455). Based on the available evidence, the clinical significance of this variant remains unclear.

Center for Genomic Medicine, Rigshospitalet, Copenhagen University Hospital
Classification: Uncertain significance. Last evaluated: 2025-03-04. Review status: criteria provided, single submitter. Criteria: ACMG Guidelines, 2015. Collection method: clinical testing. Allele origin: germline.

Literature cited by the submitters: PubMed 22799452 (cited by Ambry Genetics and Center for Genomic Medicine, Rigshospitalet, Copenhagen University Hospital); PubMed 38969834 (cited by Ambry Genetics); PubMed 19996202 (cited by Center for Genomic Medicine, Rigshospitalet, Copenhagen University Hospital); PubMed 19336503 (cited by Center for Genomic Medicine, Rigshospitalet, Copenhagen University Hospital); PubMed 24339559 (cited by Center for Genomic Medicine, Rigshospitalet, Copenhagen University Hospital).